The following is an entry in ClinVar:

ClinVar aggregate classification (germline): Benign/Likely benign. Review status: criteria provided, multiple submitters, no conflicts (2 of 4 stars). 8 submissions from 8 submitters: Benign (4); Likely benign (4). Last evaluated 2026-02-01.

Conditions:
Symmetrical dyschromatosis of extremities (DSH). Also called: Dyschromatosis symmetrica hereditaria; SYMMETRIC DYSCHROMATOSIS OF THE EXTREMITIES; DYSCHROMATOSIS SYMMETRICA HEREDITARIA 1; RETICULATE ACROPIGMENTATION OF DOHI. Identifiers: Orphanet 41, MedGen C0406775, MONDO:0007483, OMIM 127400.
Aicardi-Goutieres syndrome 6 (AGS6). Identifiers: Orphanet 51, MedGen C3539013, MONDO:0014007, OMIM 615010.

Allele frequency attached by ClinVar (database versions not stated): gnomAD exomes 0.00361; ExAC 0.00418; gnomAD 0.00995 and 0.01046; TOPMed 0.01079; ESP Exome Variant Server 0.01192; 1000 Genomes Project 0.01358; 1000 Genomes Project 30x 0.01452.
gnomAD v4.1: 3,414 of 1,614,182 alleles (0.21%); highest among the groups gnomAD compares: African/African-American, 3.3%; 39 homozygotes.

Submissions (8):

Labcorp Genetics (formerly Invitae), Labcorp
Classification: Benign for Aicardi-Goutieres syndrome 6; Symmetrical dyschromatosis of extremities. Last evaluated: 2026-02-01. Review status: criteria provided, single submitter. Criteria: Invitae Variant Classification Sherloc (09022015). Collection method: clinical testing. Allele origin: germline.

Women's Health and Genetics/Laboratory Corporation of America, LabCorp
Classification: Likely benign. Last evaluated: 2026-01-22. Review status: criteria provided, single submitter. Criteria: LabCorp Variant Classification Summary - May 2015. Collection method: clinical testing. Allele origin: germline.

CeGaT Center for Human Genetics Tuebingen
Classification: Benign. Last evaluated: 2025-12-01. Review status: criteria provided, single submitter. Criteria: CeGaT Center For Human Genetics Tuebingen Variant Classification Criteria Version 2. Collection method: clinical testing. Allele origin: germline. Affected: yes. Observed: 4 variant alleles.
Comment: ADAR: BP4, BS1, BS2

Genome-Nilou Lab
Classification: Likely benign for Aicardi-Goutieres syndrome 6. Last evaluated: 2023-04-11. Review status: criteria provided, single submitter. Criteria: ACMG Guidelines, 2015. Collection method: clinical testing. Allele origin: germline. Affected: no.

GeneDx
Classification: Benign. Last evaluated: 2020-03-19. Review status: criteria provided, single submitter. Criteria: GeneDx Variant Classification Process June 2021. Collection method: clinical testing. Allele origin: germline. Affected: yes.
Comment: This variant is associated with the following publications: (PMID: 24446047, 32593192, 27884173, 15955093, 25360671)

Center for Pediatric Genomic Medicine, Children's Mercy Hospital and Clinics
Classification: Likely benign. Last evaluated: 2015-09-04. Review status: criteria provided, single submitter. Criteria: ACMG Guidelines, 2015. Collection method: clinical testing. Allele origin: germline.
ClinVar note: Converted during submission from Likely Benign to Likely benign.

Eurofins Ntd Llc (ga)
Classification: Benign. Last evaluated: 2015-05-26. Review status: criteria provided, single submitter. Criteria: EGL Classification Definitions 2015. Collection method: clinical testing. Allele origin: germline. Observed: 1 variant allele, 1 heterozygote.

Breakthrough Genomics
Classification: Likely benign. Review status: criteria provided, single submitter. Criteria: ACMG Guidelines, 2015. Collection method: not provided. Allele origin: germline. Inheritance: Autosomal recessive inheritance. Affected: yes.

NM_001111.5(ADAR):c.1760A>G (p.Tyr587Cys)

Gene: ADAR (adenosine deaminase RNA specific; minus strand). Cytogenetic location: 1q21.3.
Variant type: single nucleotide variant.
Coding change: c.1760A>G on transcript NM_001111.5 (MANE Select); coding-DNA position 1760, A replaced by G.
Protein change: p.Tyr587Cys; replaces tyrosine 587 with cysteine.
Molecular consequence: missense variant.
Genome position (GRCh38, 1-based): chr1:154,598,427, T>C on the plus strand (A>G on the coding strand, the complement: ADAR is on the minus strand). VCF-style: chr1-154598427-T-C. GRCh37 (hg19) VCF-style: chr1-154570903-T-C.
Other names: c.875A>G, p.Tyr292Cys (NM_001025107.3, NM_001193495.2, NM_001365046.1 and 3 more transcripts); c.1787A>G, p.Tyr596Cys (NM_001365045.1); c.1760A>G, p.Tyr587Cys (NM_015840.4, NM_015841.4, LRG_1212t1); short protein forms Y292C, Y587C, Y596C.
Identifiers: ClinVar variation 196312 (VCV000196312.48), dbSNP rs17843865, ClinGen allele CA202285.